The following is an entry in ClinVar:

ClinVar aggregate classification (germline): Uncertain significance (1 of 4 stars; one submission).

Submission:

Labcorp Genetics (formerly Invitae), Labcorp
Classification: Uncertain significance. Last evaluated: 2023-02-22. Review status: criteria provided, single submitter. Criteria: Invitae Variant Classification Sherloc (09022015). Collection method: clinical testing. Allele origin: germline.
Comment: This sequence change replaces glycine, which is neutral and non-polar, with valine, which is neutral and non-polar, at codon 3895 of the FAT2 protein (p.Gly3895Val). This variant is not present in population databases (gnomAD no frequency). This variant has not been reported in the literature in individuals affected with FAT2-related conditions. An algorithm developed to predict the effect of missense changes on protein structure and function (PolyPhen-2) suggests that this variant is likely to be disruptive. In summary, the available evidence is currently insufficient to determine the role of this variant in disease. Therefore, it has been classified as a Variant of Uncertain Significance.

NM_001447.3(FAT2):c.11684G>T (p.Gly3895Val)

Genes: FAT2 (FAT atypical cadherin 2; minus strand), SLC36A1 (solute carrier family 36 member 1; plus strand). Cytogenetic location: 5q33.1.
Variant type: single nucleotide variant.
Coding change: c.11684G>T on transcript NM_001447.3 (MANE Select); coding-DNA position 11684, G replaced by T.
Protein change: p.Gly3895Val; replaces glycine 3895 with valine.
Molecular consequence: missense variant.
Genome position (GRCh38, 1-based): chr5:151,512,386, C>A on the plus strand (G>T on the coding strand, the complement: FAT2 is on the minus strand). VCF-style: chr5-151512386-C-A. GRCh37 (hg19) VCF-style: chr5-150891947-C-A.
Other names: short protein forms G3895V.
Identifiers: ClinVar variation 2839977 (VCV002839977.3), dbSNP rs2127570580, ClinGen allele CA361821999.